The following is an entry in ClinVar:

NM_182916.3(TRNT1):c.74A>C (p.Gln25Pro)

Gene: TRNT1 (tRNA nucleotidyl transferase 1; plus strand). Cytogenetic location: 3p26.2.
Variant type: single nucleotide variant.
Coding change: c.74A>C on transcript NM_182916.3 (MANE Select); coding-DNA position 74, A replaced by C.
Protein change: p.Gln25Pro; replaces glutamine 25 with proline.
Molecular consequence: missense variant. On other transcripts: non-coding transcript variant (11).
Genome position (GRCh38, 1-based): chr3:3,129,114, A>C. VCF-style: chr3-3129114-A-C. GRCh37 (hg19) VCF-style: chr3-3170798-A-C.
Other names: c.74A>C, p.Gln25Pro (NM_001302946.2, NM_001367321.1, NM_001367322.1 and 1 more transcripts); c.74A>C (NM_182916.2); short protein forms Q25P.
Identifiers: ClinVar variation 1021371 (VCV001021371.6), dbSNP rs764391872, ClinGen allele CA2228505.

ClinVar aggregate classification (germline): Uncertain significance. Review status: criteria provided, multiple submitters, no conflicts (2 of 4 stars). 2 submissions from 2 submitters: Uncertain significance (2). Last evaluated 2025-01-24.

Conditions:
Inborn genetic diseases. Identifiers: MedGen C0950123, MeSH D030342.
Congenital sideroblastic anemia-B-cell immunodeficiency-periodic fever-developmental delay syndrome. Also called: Sideroblastic anemia with B-cell immunodeficiency, periodic fevers, and developmental delay. Identifiers: Orphanet 369861, MedGen C4015172, MONDO:0014487, OMIM 616084.

Allele frequency attached by ClinVar (database versions not stated): gnomAD exomes below 0.00001 and 0.00001; ExAC 0.00001; gnomAD 0.00001.
gnomAD v4.1: 5 of 1,614,058 alleles (0.00031%); highest among the groups gnomAD compares: East Asian, 0.0089%; no homozygotes.

Submissions (2):

Ambry Genetics
Classification: Uncertain significance for Inborn genetic diseases. Last evaluated: 2025-01-24. Review status: criteria provided, single submitter. Criteria: Ambry Variant Classification Scheme 2023. Collection method: clinical testing. Allele origin: germline.

Labcorp Genetics (formerly Invitae), Labcorp
Classification: Uncertain significance for Congenital sideroblastic anemia-B-cell immunodeficiency-periodic fever-developmental delay syndrome. Last evaluated: 2020-04-06. Review status: criteria provided, single submitter. Criteria: Invitae Variant Classification Sherloc (09022015). Collection method: clinical testing. Allele origin: germline.
Comment: In summary, the available evidence is currently insufficient to determine the role of this variant in disease. Therefore, it has been classified as a Variant of Uncertain Significance. Algorithms developed to predict the effect of missense changes on protein structure and function (SIFT, PolyPhen-2, Align-GVGD) all suggest that this variant is likely to be tolerated, but these predictions have not been confirmed by published functional studies and their clinical significance is uncertain. This variant has not been reported in the literature in individuals with TRNT1-related conditions. This variant is present in population databases (rs764391872, ExAC 0.01%). This sequence change replaces glutamine with proline at codon 25 of the TRNT1 protein (p.Gln25Pro). The glutamine residue is weakly conserved and there is a moderate physicochemical difference between glutamine and proline.